The following is an entry in ClinVar:

ClinVar aggregate classification (germline): Uncertain significance (1 of 4 stars; one submission).

Allele frequency attached by ClinVar (database versions not stated): gnomAD exomes below 0.00001.
gnomAD v4.1: 2 of 1,613,482 alleles (0.00012%); highest among the groups gnomAD compares: Non-Finnish European, 0.00017%; no homozygotes.

Submission:

GeneDx
Classification: Uncertain significance. Last evaluated: 2020-01-13. Review status: criteria provided, single submitter. Criteria: GeneDx Variant Classification Process June 2021. Collection method: clinical testing. Allele origin: germline. Affected: yes.
Comment: Has not been previously published as pathogenic or benign to our knowledge; Observed in 0.0004% (1/251396) of global alleles in large population cohorts (Lek et al., 2016); In silico analysis, which includes protein predictors and evolutionary conservation, supports that this variant does not alter protein structure/function

NM_005633.4(SOS1):c.183A>C (p.Gln61His)

Gene: SOS1 (SOS Ras/Rac guanine nucleotide exchange factor 1; minus strand). Cytogenetic location: 2p22.1.
Variant type: single nucleotide variant.
Coding change: c.183A>C on transcript NM_005633.4 (MANE Select); coding-DNA position 183, A replaced by C.
Protein change: p.Gln61His; replaces glutamine 61 with histidine.
Molecular consequence: missense variant.
Genome position (GRCh38, 1-based): chr2:39,067,658, T>G on the plus strand (A>C on the coding strand, the complement: SOS1 is on the minus strand). VCF-style: chr2-39067658-T-G. GRCh37 (hg19) VCF-style: chr2-39294799-T-G.
Other names: c.162A>C, p.Gln54His (NM_001382394.1); c.183A>C, p.Gln61His (NM_001382395.1); short protein forms Q54H, Q61H.
Identifiers: ClinVar variation 1311918 (VCV001311918.2), dbSNP rs1355644577, ClinGen allele CA346374154.